The following is an entry in ClinVar:

ClinVar aggregate classification (germline): Conflicting classifications of pathogenicity. Review status: criteria provided, conflicting classifications (1 of 4 stars). 3 submissions from 3 submitters: Pathogenic (1); Likely pathogenic (1); Uncertain significance (1). Last evaluated 2025-08-23.

Conditions:
Tay-Sachs disease (TSD). Also called: HEXA DEFICIENCY; GM2 gangliosidosis, type 1; Hexosaminidase alpha-subunit deficiency (variant B); Sphingolipidosis, Tay-Sachs; Hexosaminidase A Deficiency; HEXA Disorders. Identifiers: Orphanet 845, MedGen C0039373, MONDO:0010100, OMIM 272800.

Allele frequency attached by ClinVar (database versions not stated): TOPMed below 0.00001; gnomAD 0.00001; gnomAD exomes below 0.00001.
gnomAD v4.1: 4 of 1,582,702 alleles (0.00025%); highest among the groups gnomAD compares: Non-Finnish European, 0.00035%; no homozygotes.

Submissions (3):

Natera, Inc.
Classification: Likely pathogenic for Tay-Sachs disease. Last evaluated: 2025-08-23. Review status: criteria provided, single submitter. Criteria: Natera Variant Classification Schema (03/2026). Collection method: clinical testing. Allele origin: germline.
Comment: The c.570G>T variant in HEXA is a synonymous variant that does not alter the encoded amino acid at position 190 (p.L190=). This variant is rare in the general population with a frequency below the threshold expected for the associated phenotype(s). This variant has been observed in one or more individuals affected with the associated recessive disease, as either homozygous or compound heterozygous with a second variant (PMID: 31367523, 33240792, 9090523). This variant has been identified in one or more affected individuals with a phenotype highly consistent with the associated gene (PMID: 31367523). Computational prediction algorithms indicate this variant is likely to affect gene or protein function. Given the available evidence, this variant is classified as Likely Pathogenic.

Women's Health and Genetics/Laboratory Corporation of America, LabCorp
Classification: Uncertain significance. Last evaluated: 2025-05-07. Review status: criteria provided, single submitter. Criteria: LabCorp Variant Classification Summary - May 2015. Collection method: clinical testing. Allele origin: germline.
Comment: Variant summary: HEXA c.570G>T (p.Leu190Leu) alters a conserved nucleotide located close to a canonical splice site and therefore could affect mRNA splicing, leading to a significantly altered protein sequence. Several computational tools predict a significant impact on normal splicing: Four predict the variant abolishes the canonical 5' splicing donor site. However, these predictions have yet to be confirmed by functional studies. The variant was absent in 251142 control chromosomes. c.570G>T has been observed in at-least one individual affected with Tay-Sachs Disease (King_2020, Qu_2019). To our knowledge, no experimental evidence demonstrating an impact on protein function has been reported. One variant disrupting this nucleotide have been determined to be pathogenic in ClinVar (c.570G>A (p.Leu190=) Variation ID: 2137732). The following publications have been ascertained in the context of this evaluation (PMID: 33240792, 31367523). ClinVar contains an entry for this variant (Variation ID: 1379333).Based on the evidence outlined above, the variant was classified as uncertain significance.

Labcorp Genetics (formerly Invitae), Labcorp
Classification: Pathogenic for Tay-Sachs disease. Last evaluated: 2023-10-27. Review status: criteria provided, single submitter. Criteria: Invitae Variant Classification Sherloc (09022015). Collection method: clinical testing. Allele origin: germline.
Comment: This sequence change affects codon 190 of the HEXA mRNA. It is a 'silent' change, meaning that it does not change the encoded amino acid sequence of the HEXA protein. This variant also falls at the last nucleotide of exon 5, which is part of the consensus splice site for this exon. This variant is present in population databases (no rsID available, gnomAD 0.007%). This variant has been observed in individual(s) with Tay-Sachs disease (PMID: 33240792). ClinVar contains an entry for this variant (Variation ID: 1379333). Variants that disrupt the consensus splice site are a relatively common cause of aberrant splicing (PMID: 17576681, 9536098). Algorithms developed to predict the effect of sequence changes on RNA splicing suggest that this variant may disrupt the consensus splice site. This variant disrupts the c.570G nucleotide in the HEXA gene. Other variant(s) that disrupt this nucleotide have been determined to be pathogenic (PMID: 2139660). This suggests that this nucleotide is clinically significant, and that variants that disrupt this position are likely to be disease-causing. For these reasons, this variant has been classified as Pathogenic.

Literature cited by the submitters: PubMed 31367523 (cited by Natera, Inc. and Women's Health and Genetics/Laboratory Corporation of America, LabCorp); PubMed 33240792 (cited by 3 submitters); PubMed 9090523 (cited by Natera, Inc.); PubMed 17576681 (cited by Labcorp Genetics (formerly Invitae), Labcorp); PubMed 9536098 (cited by Labcorp Genetics (formerly Invitae), Labcorp); PubMed 2139660 (cited by Labcorp Genetics (formerly Invitae), Labcorp).

NM_000520.6(HEXA):c.570G>T (p.Leu190=)

Gene: HEXA (hexosaminidase subunit alpha; minus strand). Cytogenetic location: 15q23.
Variant type: single nucleotide variant.
Coding change: c.570G>T on transcript NM_000520.6 (MANE Select); coding-DNA position 570, G replaced by T.
Protein change: p.Leu190=; no amino-acid change (leucine 190 retained).
Molecular consequence: synonymous variant. On other transcripts: non-coding transcript variant (1).
Genome position (GRCh38, 1-based): chr15:72,353,068, C>A on the plus strand (G>T on the coding strand, the complement: HEXA is on the minus strand). VCF-style: chr15-72353068-C-A. GRCh37 (hg19) VCF-style: chr15-72645409-C-A.
Other names: c.570G>T (NM_000520.5); c.603G>T, p.Leu201= (NM_001318825.2).
Identifiers: ClinVar variation 1379333 (VCV001379333.8), dbSNP rs1188885214, ClinGen allele CA491129670.
Genomic context (GRCh38, chr15:72,353,068, plus strand): 5'-GTCCGTTGCTCCATCACCCTAGAACTCTTAAGTGTGAAGAAGGCCTTAAGGCCTGGTTAC[C>A]AGAGTGTCCAGGATGCTAGAGAGTGGCAGGTAATGGCGAGATGTATCCAACAGCAAGCCC-3'
Protein context (NP_000511.2, residues 180-200): YLPLSSILDT[Leu190=]DVMAYNKLNV